The following is an entry in ClinVar:

NM_015570.4(AUTS2):c.349C>T (p.Arg117Cys)

Gene: AUTS2 (activator of transcription and developmental regulator AUTS2; plus strand). Cytogenetic location: 7q11.22.
Variant type: single nucleotide variant.
Coding change: c.349C>T on transcript NM_015570.4 (MANE Select); coding-DNA position 349, C replaced by T.
Protein change: p.Arg117Cys; replaces arginine 117 with cysteine.
Molecular consequence: missense variant.
Genome position (GRCh38, 1-based): chr7:69,899,325, C>T. VCF-style: chr7-69899325-C-T. GRCh37 (hg19) VCF-style: chr7-69364311-C-T.
Other names: c.349C>T, p.Arg117Cys (NM_001127231.3, NM_001127232.3); short protein forms R117C.
Identifiers: ClinVar variation 697442 (VCV000697442.13), dbSNP rs142957106, ClinGen allele CA4280285.
Genomic context (GRCh38, chr7:69,899,325, plus strand): 5'-TCCTTCTCTTCTTTTCTACAGAAAGATGTAGCACTTAAGCCTCAGGAACGTGTGGAGAAA[C>T]GCCAGACGCCCCTGACCAAGAAGAAACGAGAAGCACTTACCAATGGCTTGTCCTTTCATT-3'
Protein context (NP_056385.1, residues 107-127): ALKPQERVEK[Arg117Cys]QTPLTKKKRE

ClinVar aggregate classification (germline): Benign/Likely benign. Review status: criteria provided, multiple submitters, no conflicts (2 of 4 stars). 4 submissions from 4 submitters: Benign (1); Likely benign (2). 1 of the submissions does not count toward it. Last evaluated 2025-12-09.

Conditions:
Inborn genetic diseases. Identifiers: MedGen C0950123, MeSH D030342.
AUTS2-related disorder. Also called: AUTS2-related condition.

Allele frequency attached by ClinVar (database versions not stated): gnomAD exomes 0.00013; ExAC 0.00016; 1000 Genomes Project 30x 0.00031; gnomAD 0.00055 and 0.00062; TOPMed 0.00063; ESP Exome Variant Server 0.00069.
gnomAD v4.1: 173 of 1,613,936 alleles (0.011%); highest among the groups gnomAD compares: African/African-American, 0.19%; no homozygotes.

Submissions (4):

Labcorp Genetics (formerly Invitae), Labcorp
Classification: Likely benign. Last evaluated: 2025-12-09. Review status: criteria provided, single submitter. Criteria: Invitae Variant Classification Sherloc (09022015). Collection method: clinical testing. Allele origin: germline.

Ambry Genetics
Classification: Likely benign for Inborn genetic diseases. Last evaluated: 2022-05-05. Review status: criteria provided, single submitter. Criteria: Ambry Variant Classification Scheme 2023. Collection method: clinical testing. Allele origin: germline.

GeneDx
Classification: Benign. Last evaluated: 2020-11-16. Review status: criteria provided, single submitter. Criteria: GeneDx Variant Classification Process June 2021. Collection method: clinical testing. Allele origin: germline. Affected: yes.
Comment: This variant is associated with the following publications: (PMID: 30602096, 28440294)

PreventionGenetics, part of Exact Sciences
Classification: Likely benign for AUTS2-related condition. Last evaluated: 2024-01-25. Review status: no assertion criteria provided. Collection method: clinical testing. Allele origin: germline. Not counted in ClinVar's aggregate classification.
Comment: This variant is classified as likely benign based on ACMG/AMP sequence variant interpretation guidelines (Richards et al. 2015 PMID: 25741868, with internal and published modifications).